The following is an entry in ClinVar:

NM_014141.6(CNTNAP2):c.2280A>G (p.Ser760=)

Gene: CNTNAP2 (contactin associated protein 2; plus strand). Cytogenetic location: 7q35.
Variant type: single nucleotide variant.
Coding change: c.2280A>G on transcript NM_014141.6 (MANE Select); coding-DNA position 2280, A replaced by G.
Protein change: p.Ser760=; no amino-acid change (serine 760 retained).
Molecular consequence: synonymous variant.
Genome position (GRCh38, 1-based): chr7:147,977,886, A>G. VCF-style: chr7-147977886-A-G. GRCh37 (hg19) VCF-style: chr7-147674978-A-G.
Other names: p.Ser760=.
Identifiers: ClinVar variation 95562 (VCV000095562.35), dbSNP rs10240503, ClinGen allele CA148623.
Genomic context (GRCh38, chr7:147,977,886, plus strand): 5'-CTCCTCATTCTTTTTCTGTCTTTCCCTGTGATCCAGGAGGAAGGATGCTGGTTTCTTATC[A>G]TACAAAGATCACCTGCCAGTGAGCCAAGTGGTGGTTGGAGATACTGACCGTCAAGGCTCA-3'
Protein context (NP_054860.1, residues 750-770): KQWRKDAGFL[Ser760=]YKDHLPVSQV

ClinVar aggregate classification (germline): Benign/Likely benign. Review status: criteria provided, multiple submitters, no conflicts (2 of 4 stars). 13 submissions from 13 submitters: Benign (8); Likely benign (1). 4 of the submissions do not count toward it. Last evaluated 2026-02-04.

Conditions:
Inborn genetic diseases. Identifiers: MedGen C0950123, MeSH D030342.
Cortical dysplasia-focal epilepsy syndrome (PTHSL1). Also called: Pitt-Hopkins-like syndrome 1. Identifiers: Orphanet 163681, Orphanet 221150, MedGen C2750246, MONDO:0012400, OMIM 610042.

Allele frequency attached by ClinVar (database versions not stated): gnomAD exomes 0.12109 and 0.14265; ExAC 0.15234; gnomAD 0.21824 and 0.22240; TOPMed 0.22779; ESP Exome Variant Server 0.23674; 1000 Genomes Project 0.25779; 1000 Genomes Project 30x 0.26265.
gnomAD v4.1: 211,153 of 1,613,136 alleles (13%); highest among the groups gnomAD compares: African/African-American, 49%; 19,805 homozygotes.

Submissions (13):

Labcorp Genetics (formerly Invitae), Labcorp
Classification: Benign for Cortical dysplasia-focal epilepsy syndrome. Last evaluated: 2026-02-04. Review status: criteria provided, single submitter. Criteria: Invitae Variant Classification Sherloc (09022015). Collection method: clinical testing. Allele origin: germline.

Blueprint Genetics
Classification: Likely benign. Last evaluated: 2024-11-27. Review status: criteria provided, single submitter. Criteria: ACMG Guidelines, 2015. Collection method: clinical testing. Allele origin: germline.

Mayo Clinic Laboratories, Mayo Clinic
Classification: Benign. Last evaluated: 2018-04-10. Review status: criteria provided, single submitter. Criteria: ACMG Guidelines, 2015. Collection method: clinical testing. Allele origin: germline. Observed: 153 variant alleles.

Athena Diagnostics
Classification: Benign for Cortical dysplasia-focal epilepsy syndrome. Last evaluated: 2017-04-28. Review status: criteria provided, single submitter. Criteria: Athena Diagnostics Criteria. Collection method: clinical testing. Allele origin: germline.

Ambry Genetics
Classification: Benign for Inborn genetic diseases. Last evaluated: 2016-03-11. Review status: criteria provided, single submitter. Criteria: Ambry Variant Classification Scheme 2023. Collection method: clinical testing. Allele origin: germline.

GeneDx
Classification: Benign. Last evaluated: 2015-03-03. Review status: criteria provided, single submitter. Criteria: GeneDx Variant Classification Process June 2021. Collection method: clinical testing. Allele origin: germline. Affected: yes.

Eurofins Ntd Llc (ga)
Classification: Benign. Last evaluated: 2013-05-17. Review status: criteria provided, single submitter. Criteria: EGL Classification Definitions 2015. Collection method: clinical testing. Allele origin: germline. Observed: 6 variant alleles, 6 heterozygotes.

Breakthrough Genomics
Classification: Benign. Review status: criteria provided, single submitter. Criteria: ACMG Guidelines, 2015. Collection method: not provided. Allele origin: germline. Inheritance: Autosomal recessive inheritance. Affected: yes.

PreventionGenetics, part of Exact Sciences
Classification: Benign. Review status: criteria provided, single submitter. Criteria: ACMG Guidelines, 2015. Collection method: clinical testing. Allele origin: germline.

Clinical Genetics DNA and cytogenetics Diagnostics Lab, Erasmus MC, Erasmus Medical Center
Classification: Benign. Review status: no assertion criteria provided. Collection method: clinical testing. Allele origin: germline. Affected: yes. Study: VKGL Data-share Consensus. Not counted in ClinVar's aggregate classification.

Diagnostic Laboratory, Department of Genetics, University Medical Center Groningen
Classification: Benign. Review status: no assertion criteria provided. Collection method: clinical testing. Allele origin: germline. Affected: yes. Study: VKGL Data-share Consensus. Not counted in ClinVar's aggregate classification.

Genetic Services Laboratory, University of Chicago
Classification: Likely benign for AllHighlyPenetrant. Review status: no assertion criteria provided. Collection method: clinical testing. Allele origin: germline. Inheritance: Autosomal recessive inheritance. Not counted in ClinVar's aggregate classification.
Comment: Likely benign based on allele frequency in 1000 Genomes Project or ESP global frequency and its presence in a patient with a rare or unrelated disease phenotype. NOT Sanger confirmed.

Genome Diagnostics Laboratory, University Medical Center Utrecht
Classification: Benign. Review status: no assertion criteria provided. Collection method: clinical testing. Allele origin: germline. Affected: yes. Study: VKGL Data-share Consensus. Not counted in ClinVar's aggregate classification.